The following is an entry in ClinVar:

NM_003737.4(DCHS1):c.6634G>A (p.Ala2212Thr)

Gene: DCHS1 (dachsous cadherin-related 1; minus strand). Cytogenetic location: 11p15.4.
Variant type: single nucleotide variant.
Coding change: c.6634G>A on transcript NM_003737.4 (MANE Select); coding-DNA position 6634, G replaced by A.
Protein change: p.Ala2212Thr; replaces alanine 2212 with threonine.
Molecular consequence: missense variant.
Genome position (GRCh38, 1-based): chr11:6,626,017, C>T on the plus strand (G>A on the coding strand, the complement: DCHS1 is on the minus strand). VCF-style: chr11-6626017-C-T. GRCh37 (hg19) VCF-style: chr11-6647248-C-T.
Other names: short protein forms A2212T.
Identifiers: ClinVar variation 2635263 (VCV002635263.1), dbSNP rs763381995, ClinGen allele CA5859816.

ClinVar aggregate classification (germline): Uncertain significance (1 of 4 stars; one submission).

Conditions:
DCHS1-related disorder. Also called: DCHS1-related condition.

Allele frequency attached by ClinVar (database versions not stated): gnomAD 0.00003.
gnomAD v4.1: 10 of 1,612,434 alleles (0.00062%); highest among the groups gnomAD compares: African/African-American, 0.012%; no homozygotes.

Submission:

PreventionGenetics, part of Exact Sciences
Classification: Uncertain significance for DCHS1-related condition. Last evaluated: 2023-08-16. Review status: criteria provided, single submitter. Criteria: ACMG Guidelines, 2015. Collection method: clinical testing. Allele origin: germline.
Comment: The DCHS1 c.6634G>A variant is predicted to result in the amino acid substitution p.Ala2212Thr. To our knowledge, this variant has not been reported in the literature. This variant is reported in 0.012% of alleles in individuals of African descent in gnomAD. At this time, the clinical significance of this variant is uncertain due to the absence of conclusive functional and genetic evidence.